The following is an entry in ClinVar:

NM_004415.4(DSP):c.2091A>G (p.Gly697=)

Gene: DSP (desmoplakin; plus strand). Cytogenetic location: 6p24.3.
Variant type: single nucleotide variant.
Coding change: c.2091A>G on transcript NM_004415.4 (MANE Select); coding-DNA position 2091, A replaced by G.
Protein change: p.Gly697=; no amino-acid change (glycine 697 retained).
Molecular consequence: synonymous variant.
Genome position (GRCh38, 1-based): chr6:7,572,029, A>G. VCF-style: chr6-7572029-A-G. GRCh37 (hg19) VCF-style: chr6-7572262-A-G.
Other names: p.Gly697=; c.2091A>G, p.Gly697= (NM_001008844.3, NM_001319034.2).
Identifiers: ClinVar variation 44870 (VCV000044870.32), dbSNP rs2076304, ClinGen allele CA005242.

ClinVar aggregate classification (germline): Benign. Review status: criteria provided, multiple submitters, no conflicts (2 of 4 stars). 16 submissions from 12 submitters: Benign (12). 4 of the submissions do not count toward it. Last evaluated 2026-02-04.

Conditions:
Cardiovascular phenotype. Identifiers: MedGen CN230736.
Cardiomyopathy, dilated, with wooly hair, keratoderma, and tooth agenesis. Also called: Erythrokeratodermia-cardiomyopathy syndrome; Cardiomyopathy, dilated, with woolly hair, keratoderma, and tooth agenesis. Identifiers: Orphanet 476096, Orphanet 65282, MedGen C4014393, MONDO:0014355, OMIM 615821.
Arrhythmogenic right ventricular dysplasia 8 (ARVD8). Also called: ARRHYTHMOGENIC RIGHT VENTRICULAR DYSPLASIA, FAMILIAL, 8; ARRHYTHMOGENIC RIGHT VENTRICULAR CARDIOMYOPATHY 8; Arrhythmogenic Right Ventricular Dysplasia/Cardiomyopathy 8. Identifiers: MedGen C1843896, MONDO:0011831, OMIM 607450.
Arrhythmogenic cardiomyopathy with wooly hair and keratoderma. Also called: Dilated cardiomyopathy with woolly hair and keratoderma; Arrhythmogenic cardiomyopathy with woolly hair and keratoderma; PALMOPLANTAR KERATODERMA WITH LEFT VENTRICULAR CARDIOMYOPATHY AND WOOLLY HAIR; Carvajal syndrome. Identifiers: Orphanet 65282, MedGen C1854063, MONDO:0011581, OMIM 605676.
Cardiomyopathy (CMYO). Also called: Cardiomyopathies. Identifiers: Orphanet 167848, MedGen C0878544, MONDO:0004994, HP:0001638. Inheritance: Various modes of inheritance.
Keratosis palmoplantaris striata 2. Also called: KERATODERMA, PALMOPLANTAR, STRIATE FORM II; STRIATE PALMOPLANTAR KERATODERMA II; Keratosis palmoplantaris striata II. Identifiers: MedGen C1852127, MONDO:0013034, OMIM 612908.
Lethal acantholytic epidermolysis bullosa (EBLA). Identifiers: Orphanet 158687, MedGen C1864826, MONDO:0012323, OMIM 609638.
Woolly hair-skin fragility syndrome (WHSF). Identifiers: Orphanet 293165, MedGen C1843292, MONDO:0957307, OMIM 620415.

Allele frequency attached by ClinVar (database versions not stated): ExAC 0.76144; gnomAD 0.76849; 1000 Genomes Project 30x 0.77358; 1000 Genomes Project 0.77436; ESP Exome Variant Server 0.78587; TOPMed 0.78851.
gnomAD v4.1: 1,236,833 of 1,613,788 alleles (77%); highest among the groups gnomAD compares: East Asian, 83%; 475,191 homozygotes.

Submissions (16):

Labcorp Genetics (formerly Invitae), Labcorp
Classification: Benign for Arrhythmogenic cardiomyopathy with wooly hair and keratoderma; Arrhythmogenic right ventricular dysplasia 8. Last evaluated: 2026-02-04. Review status: criteria provided, single submitter. Criteria: Invitae Variant Classification Sherloc (09022015). Collection method: clinical testing. Allele origin: germline.

Molecular Diagnostic Laboratory for Inherited Cardiovascular Disease, Montreal Heart Institute
Classification: Benign. Last evaluated: 2025-02-17. Review status: criteria provided, single submitter. Criteria: ACMG Guidelines, 2015. Collection method: clinical testing. Allele origin: germline. Affected: no.

Blueprint Genetics
Classification: Benign. Last evaluated: 2024-11-27. Review status: criteria provided, single submitter. Criteria: ACMG Guidelines, 2015. Collection method: clinical testing. Allele origin: germline.

Genome-Nilou Lab
Classification: Benign for Arrhythmogenic cardiomyopathy with wooly hair and keratoderma. Last evaluated: 2021-07-30. Review status: criteria provided, single submitter. Criteria: ACMG Guidelines, 2015. Collection method: clinical testing. Allele origin: germline. Affected: no.

Genome-Nilou Lab
Classification: Benign for Cardiomyopathy, dilated, with wooly hair, keratoderma, and tooth agenesis. Last evaluated: 2021-07-30. Review status: criteria provided, single submitter. Criteria: ACMG Guidelines, 2015. Collection method: clinical testing. Allele origin: germline. Affected: no.

Genome-Nilou Lab
Classification: Benign for Lethal acantholytic epidermolysis bullosa. Last evaluated: 2021-07-30. Review status: criteria provided, single submitter. Criteria: ACMG Guidelines, 2015. Collection method: clinical testing. Allele origin: germline. Affected: no.

Genome-Nilou Lab
Classification: Benign for Keratosis palmoplantaris striata 2. Last evaluated: 2021-07-30. Review status: criteria provided, single submitter. Criteria: ACMG Guidelines, 2015. Collection method: clinical testing. Allele origin: germline. Affected: no.

Genome-Nilou Lab
Classification: Benign for Arrhythmogenic cardiomyopathy with wooly hair and keratoderma. Last evaluated: 2021-07-30. Review status: criteria provided, single submitter. Criteria: ACMG Guidelines, 2015. Collection method: clinical testing. Allele origin: germline. Affected: no.

Color Diagnostics, LLC DBA Color Health
Classification: Benign for Cardiomyopathy. Last evaluated: 2018-03-16. Review status: criteria provided, single submitter. Criteria: ACMG Guidelines, 2015. Collection method: clinical testing. Allele origin: germline.

Ambry Genetics
Classification: Benign for cardiovascular phenotype. Last evaluated: 2015-03-09. Review status: criteria provided, single submitter. Criteria: Ambry Autosomal Dominant and X-Linked criteria (10/2015). Collection method: clinical testing. Allele origin: germline. Observed: 1 variant allele.

Mayo Clinic Laboratories, Mayo Clinic
Classification: Benign. Last evaluated: 2014-03-04. Review status: criteria provided, single submitter. Criteria: ACMG Guidelines, 2015. Collection method: clinical testing. Allele origin: germline. Observed: 1,238 variant alleles.

Laboratory for Molecular Medicine, Mass General Brigham Personalized Medicine
Classification: Benign. Last evaluated: 2011-07-20. Review status: criteria provided, single submitter. Criteria: LMM Criteria. Collection method: clinical testing. Allele origin: germline. Observed: 1,740 variant alleles.

Clinical Genetics DNA and cytogenetics Diagnostics Lab, Erasmus MC, Erasmus Medical Center
Classification: Benign. Review status: no assertion criteria provided. Collection method: clinical testing. Allele origin: germline. Affected: yes. Study: VKGL Data-share Consensus. Not counted in ClinVar's aggregate classification.

Clinical Genetics, Academic Medical Center
Classification: Benign. Review status: no assertion criteria provided. Collection method: clinical testing. Allele origin: germline. Affected: yes. Study: VKGL Data-share Consensus. Not counted in ClinVar's aggregate classification.

Department of Pathology and Laboratory Medicine, Sinai Health System
Classification: Uncertain significance. Review status: no assertion criteria provided. Collection method: clinical testing. Allele origin: unknown. Affected: yes. Study: The Canadian Open Genetics Repository (COGR). Not counted in ClinVar's aggregate classification.
Comment: multiple AR variants in same gene - keep for nowAllele frequency is common in at least one population database (frequency: 83.525% in gnomAD_ExomesFounderPop) based on the frequency threshold of 0.5% for this gene.Variant was observed in a homozygous state in population databases more than expected for disease.A synonymous variant not located in a splice region.1 reputable source/s reports the variant as benign, but the evidence is not available to the laboratory to perform an independent evaluation.

Diagnostic Laboratory, Department of Genetics, University Medical Center Groningen
Classification: Benign. Review status: no assertion criteria provided. Collection method: clinical testing. Allele origin: germline. Affected: yes. Study: VKGL Data-share Consensus. Not counted in ClinVar's aggregate classification.